The following is an entry in ClinVar:

NM_000093.5(COL5A1):c.2431-10C>T

Gene: COL5A1 (collagen type V alpha 1 chain; plus strand). Cytogenetic location: 9q34.3.
Variant type: single nucleotide variant.
Coding change: c.2431-10C>T on transcript NM_000093.5 (MANE Select); 10 bases into the intron before coding-DNA position 2431, C replaced by T.
Molecular consequence: intron variant.
Genome position (GRCh38, 1-based): chr9:134,782,657, C>T. VCF-style: chr9-134782657-C-T. GRCh37 (hg19) VCF-style: chr9-137674503-C-T.
Other names: p.?; c.2431-10C>T (NM_001278074.1).
Identifiers: ClinVar variation 4683460 (VCV004683460.1).
Genomic context (GRCh38, chr9:134,782,657, plus strand): 5'-GCGGGGAAGGGACCGCCAGGGAGGCGGGTCCTCTTGCCTAGACTAGGGCACTCTCTTGTC[C>T]CATATTCAGGGTGAAGACGGCTTTCCTGGGTTTAAAGGAGACATGGGCATCAAGGGTGAT-3'

ClinVar aggregate classification (germline): Likely benign (1 of 4 stars; one submission).

Submission:

Mayo Clinic Laboratories, Mayo Clinic
Classification: Likely benign. Last evaluated: 2025-10-03. Review status: criteria provided, single submitter. Criteria: ACMG Guidelines, 2015. Collection method: clinical testing. Allele origin: germline. Observed: 1 variant allele.
Comment: BP4, BP7, PM2_supporting